The following is an entry in ClinVar:

ClinVar aggregate classification (germline): Pathogenic. Review status: criteria provided, single submitter (1 of 4 stars). 2 submissions from 2 submitters: Pathogenic (1). 1 of the submissions does not count toward it. Last evaluated 2021-12-24.

Conditions:
Alzheimer disease 3 (AD3). Also called: ALZHEIMER DISEASE, FAMILIAL, 3. Identifiers: Orphanet 1020, MedGen C1843013, MONDO:0011913, OMIM 607822.
Acne inversa, familial, 3 (ACNINV3). Identifiers: MedGen C3151038, MONDO:0013398, OMIM 613737.
Frontotemporal dementia (FTD1). Also called: Frontotemporal Dementia with Parkinsonism-17 (FTDP-17); FRONTOTEMPORAL DEMENTIA WITH PARKINSONISM; FRONTOTEMPORAL LOBE DEMENTIA; MULTIPLE SYSTEM TAUOPATHY WITH PRESENILE DEMENTIA; Dementia, frontotemporal, with or without parkinsonism; WILHELMSEN-LYNCH DISEASE. Identifiers: Orphanet 282, MedGen C0338451, MONDO:0017276, OMIM 600274, HP:0002145.
Pick disease. Also called: PICK DISEASE OF BRAIN; DEMENTIA WITH LOBAR ATROPHY AND NEURONAL CYTOPLASMIC INCLUSIONS; LOBAR ATROPHY OF BRAIN; Pick's disease; Pick Disease of the Brain. Identifiers: Orphanet 282, MedGen C0236642, MONDO:0008243, OMIM 172700.

Submissions (2):

Labcorp Genetics (formerly Invitae), Labcorp
Classification: Pathogenic for Alzheimer disease 3; Pick disease; Acne inversa, familial, 3; Frontotemporal dementia. Last evaluated: 2021-12-24. Review status: criteria provided, single submitter. Criteria: Invitae Variant Classification Sherloc (09022015). Collection method: clinical testing. Allele origin: germline.
Comment: This sequence change replaces glycine, which is neutral and non-polar, with valine, which is neutral and non-polar, at codon 394 of the PSEN1 protein (p.Gly394Val). This missense change has been observed in individuals with Alzheimer disease (PMID: 11524469, 18525293, 27777022, 30954774). It has also been observed to segregate with disease in related individuals. This variant is not present in population databases (gnomAD no frequency). ClinVar contains an entry for this variant (Variation ID: 98107). Advanced modeling of protein sequence and biophysical properties (such as structural, functional, and spatial information, amino acid conservation, physicochemical variation, residue mobility, and thermodynamic stability) performed at Invitae indicates that this missense variant is expected to disrupt PSEN1 protein function. Experimental studies have shown that this missense change affects PSEN1 function (PMID: 27930341). For these reasons, this variant has been classified as Pathogenic.

VIB  Department of Molecular Genetics, University of Antwerp
No classification provided. Review status: no classification provided. Collection method: not provided. Allele origin: not provided. Not counted in ClinVar's aggregate classification.

Literature cited by the submitters: PubMed 11524469 (cited by Labcorp Genetics (formerly Invitae), Labcorp); PubMed 18525293 (cited by Labcorp Genetics (formerly Invitae), Labcorp); PubMed 27777022 (cited by Labcorp Genetics (formerly Invitae), Labcorp); PubMed 30954774 (cited by Labcorp Genetics (formerly Invitae), Labcorp); PubMed 27930341 (cited by Labcorp Genetics (formerly Invitae), Labcorp).

NM_000021.4(PSEN1):c.1181G>T (p.Gly394Val)

Gene: PSEN1 (presenilin 1; plus strand). Cytogenetic location: 14q24.2.
Variant type: single nucleotide variant.
Coding change: c.1181G>T on transcript NM_000021.4 (MANE Select); coding-DNA position 1181, G replaced by T.
Protein change: p.Gly394Val; replaces glycine 394 with valine.
Molecular consequence: missense variant.
Genome position (GRCh38, 1-based): chr14:73,217,177, G>T. VCF-style: chr14-73217177-G-T. GRCh37 (hg19) VCF-style: chr14-73683885-G-T.
Other names: c.1169G>T, p.Gly390Val (NM_007318.3); short protein forms G394V, G390V.
Identifiers: ClinVar variation 98107 (VCV000098107.6), dbSNP rs63750929, ClinGen allele CA225170.